The following is an entry in ClinVar:

NM_020821.3(VPS13C):c.3725A>G (p.Asn1242Ser)

Gene: VPS13C (vacuolar protein sorting 13 homolog C; minus strand). Cytogenetic location: 15q22.2.
Variant type: single nucleotide variant.
Coding change: c.3725A>G on transcript NM_020821.3 (MANE Select); coding-DNA position 3725, A replaced by G.
Protein change: p.Asn1242Ser; replaces asparagine 1242 with serine.
Molecular consequence: missense variant.
Genome position (GRCh38, 1-based): chr15:61,961,772, T>C on the plus strand (A>G on the coding strand, the complement: VPS13C is on the minus strand). VCF-style: chr15-61961772-T-C. GRCh37 (hg19) VCF-style: chr15-62253971-T-C.
Other names: c.3725A>G, p.Asn1242Ser (NM_001018088.3); c.3596A>G, p.Asn1199Ser (NM_017684.5, NM_018080.4); short protein forms N1199S, N1242S.
Identifiers: ClinVar variation 2031212 (VCV002031212.1), dbSNP rs988596045, ClinGen allele CA271928318.
Genomic context (GRCh38, chr15:61,961,772, plus strand): 5'-ACTGCATTGGTGGAAATAGAAGACTGTGGGATGACTATAACCGGTGCTTTCAAATCAATA[T>C]TGATGGAAACACGAAAACTCCTCTGGGCAAGATCTTTCACACTTGTGGCAGCCCTTTCTG-3'
Protein context (NP_065872.1, residues 1232-1252): LAQRSFRVSI[Asn1242Ser]IDLKAPVIVI

ClinVar aggregate classification (germline): Uncertain significance (1 of 4 stars; one submission).

Allele frequency attached by ClinVar (database versions not stated): gnomAD exomes below 0.00001; TOPMed 0.00002.

Submission:

Labcorp Genetics (formerly Invitae), Labcorp
Classification: Uncertain significance. Last evaluated: 2022-05-30. Review status: criteria provided, single submitter. Criteria: Invitae Variant Classification Sherloc (09022015). Collection method: clinical testing. Allele origin: germline.
Comment: This sequence change replaces asparagine, which is neutral and polar, with serine, which is neutral and polar, at codon 1242 of the VPS13C protein (p.Asn1242Ser). This variant is not present in population databases (gnomAD no frequency). This variant has not been reported in the literature in individuals affected with VPS13C-related conditions. Algorithms developed to predict the effect of missense changes on protein structure and function output the following: SIFT: "Tolerated"; PolyPhen-2: "Benign"; Align-GVGD: "Class C0". The serine amino acid residue is found in multiple mammalian species, which suggests that this missense change does not adversely affect protein function. In summary, the available evidence is currently insufficient to determine the role of this variant in disease. Therefore, it has been classified as a Variant of Uncertain Significance.